The following is an entry in ClinVar:

ClinVar aggregate classification (germline): Pathogenic/Likely pathogenic. Review status: criteria provided, multiple submitters, no conflicts (2 of 4 stars). 3 submissions from 3 submitters: Pathogenic (2); Likely pathogenic (1). Last evaluated 2025-07-24.

Conditions:
Polycystic kidney disease 4 (PKD4). Also called: Autosomal Recessive Polycystic Kidney Disease – PKHD1; PKD3; POLYCYSTIC KIDNEY AND HEPATIC DISEASE 1; POLYCYSTIC KIDNEY DISEASE, INFANTILE, TYPE I; POLYCYSTIC KIDNEY DISEASE 4 WITH OR WITHOUT POLYCYSTIC LIVER DISEASE. Identifiers: MedGen C4540575, MONDO:0033004, OMIM 263200.
Autosomal recessive polycystic kidney disease (ARPKD). Also called: AR polycystic kidney disease. Identifiers: Orphanet 731, Orphanet 8378, MedGen C0085548, MeSH D017044, MONDO:0009889.

Allele frequency attached by ClinVar (database versions not stated): gnomAD 0.00001; TOPMed 0.00001.
gnomAD v4.1: 1 of 1,614,036 alleles (0.000062%); highest among the groups gnomAD compares: Non-Finnish European, 0.000085%; no homozygotes.

Submissions (3):

Natera, Inc.
Classification: Pathogenic for Autosomal recessive polycystic kidney disease. Last evaluated: 2025-07-24. Review status: criteria provided, single submitter. Criteria: Natera Variant Classification Schema (03/2026). Collection method: clinical testing. Allele origin: germline.
Comment: The c.3463C>T variant in PKHD1 is a nonsense variant predicted to introduce a stop codon at amino acid 1155. This variant is expected to result in nonsense mediated decay, truncation, or a dysfunctional protein product. This variant is rare in the general population with a frequency below the threshold expected for the associated phenotype(s). This variant has been observed in one or more individuals affected with the associated recessive disease, as either homozygous or compound heterozygous with a second variant (PMID: 29956005, 27225849). Given the available evidence, this variant is classified as Pathogenic.

Labcorp Genetics (formerly Invitae), Labcorp
Classification: Pathogenic for Autosomal recessive polycystic kidney disease. Last evaluated: 2023-11-20. Review status: criteria provided, single submitter. Criteria: Invitae Variant Classification Sherloc (09022015). Collection method: clinical testing. Allele origin: germline.
Comment: This sequence change creates a premature translational stop signal (p.Gln1155*) in the PKHD1 gene. It is expected to result in an absent or disrupted protein product. Loss-of-function variants in PKHD1 are known to be pathogenic (PMID: 19940839). This variant is not present in population databases (gnomAD no frequency). This premature translational stop signal has been observed in individual(s) with autosomal recessive polycystic kidney disease (PMID: 27225849). In at least one individual the data is consistent with being in trans (on the opposite chromosome) from a pathogenic variant. ClinVar contains an entry for this variant (Variation ID: 528301). For these reasons, this variant has been classified as Pathogenic.

Fulgent Genetics
Classification: Likely pathogenic for Polycystic kidney disease 4. Last evaluated: 2022-04-14. Review status: criteria provided, single submitter. Criteria: ACMG Guidelines, 2015. Collection method: clinical testing. Allele origin: unknown.

Literature cited by the submitters: PubMed 29956005 (cited by Natera, Inc.); PubMed 27225849 (cited by Natera, Inc. and Labcorp Genetics (formerly Invitae), Labcorp); PubMed 19940839 (cited by Labcorp Genetics (formerly Invitae), Labcorp).

NM_138694.4(PKHD1):c.3463C>T (p.Gln1155Ter)

Gene: PKHD1 (PKHD1 ciliary IPT domain containing fibrocystin/polyductin; minus strand). Cytogenetic location: 6p12.2.
Variant type: single nucleotide variant.
Coding change: c.3463C>T on transcript NM_138694.4 (MANE Select); coding-DNA position 3463, C replaced by T.
Protein change: p.Gln1155Ter; replaces glutamine 1155 with a stop codon.
Molecular consequence: nonsense.
Genome position (GRCh38, 1-based): chr6:52,028,253, G>A on the plus strand (C>T on the coding strand, the complement: PKHD1 is on the minus strand). VCF-style: chr6-52028253-G-A. GRCh37 (hg19) VCF-style: chr6-51893051-G-A.
Other names: c.3463C>T, p.Gln1155Ter (NM_170724.3); short protein forms Q1155*.
Identifiers: ClinVar variation 528301 (VCV000528301.11), dbSNP rs1554200780, ClinGen allele CA364440564.
Genomic context (GRCh38, chr6:52,028,253, plus strand): 5'-AAATTCTGTGGAGACCAGCTGGCAGTGGGGGCAGTGCCACCTCCAGGCCCCAAGCCGACT[G>A]TGTGTGAACCGGAGCCAAGGCATCCTGGACGTGGACTTCCACATCCAAATCCGTATAGTT-3'